The following is an entry in ClinVar:

NM_005228.5(EGFR):c.88+4del

Gene: EGFR (epidermal growth factor receptor; plus strand). Cytogenetic location: 7p11.2.
Variant type: Deletion.
Coding change: c.88+4del on transcript NM_005228.5 (MANE Select); 4 bases into the intron after coding-DNA position 88, one base deleted (A; older notation c.88+4delA).
Molecular consequence: intron variant.
Genome position (GRCh38, 1-based): chr7:55,019,369, A deleted; the last of 2 consecutive A bases (chr7:55,019,368-55,019,369); deleting either gives the same sequence. VCF-style (leftmost placement, unchanged base first): chr7-55019367-TA-T. GRCh37 (hg19) VCF-style: chr7-55087060-TA-T.
Other names: c.88+4del (NM_001346899.2, NM_001346941.2, NM_001346898.2 and 4 more transcripts).
Identifiers: ClinVar variation 4797503 (VCV004797503.1).

ClinVar aggregate classification (germline): Uncertain significance (1 of 4 stars; one submission).

Conditions:
EGFR-related lung cancer (EGFR). Identifiers: MedGen CN130014.

Submission:

Labcorp Genetics (formerly Invitae), Labcorp
Classification: Uncertain significance for EGFR-related lung cancer. Last evaluated: 2025-02-16. Review status: criteria provided, single submitter. Criteria: Invitae Variant Classification Sherloc (09022015). Collection method: clinical testing. Allele origin: germline.
Comment: This sequence change falls in intron 1 of the EGFR gene. It does not directly change the encoded amino acid sequence of the EGFR protein. It affects a nucleotide within the consensus splice site. This variant is not present in population databases (gnomAD no frequency). This variant has not been reported in the literature in individuals affected with EGFR-related conditions. Variants that disrupt the consensus splice site are a relatively common cause of aberrant splicing (PMID: 17576681, 9536098). Algorithms developed to predict the effect of sequence changes on RNA splicing suggest that this variant is not likely to affect RNA splicing. In summary, the available evidence is currently insufficient to determine the role of this variant in disease. Therefore, it has been classified as a Variant of Uncertain Significance.

Literature cited by the submitters: PubMed 17576681; PubMed 9536098.